The following is an entry in ClinVar:

ClinVar aggregate classification (germline): Pathogenic (1 of 4 stars; one submission).

Conditions:
Camptodactyly-arthropathy-coxa vara-pericarditis syndrome. Also called: FIBROSING SEROSITIS, FAMILIAL; Arthropathy camptodactyly syndrome; Pericarditis arthropathy camptodactyly syndrome; Congenital familial hypertrophic synovitis; JACOBS SYNDROME; PAC SYNDROME. Identifiers: Orphanet 2848, MedGen C1859690, MONDO:0008828, OMIM 208250.

Submission:

3billion
Classification: Pathogenic for Camptodactyly-arthropathy-coxa vara-pericarditis syndrome. Last evaluated: 2025-10-03. Review status: criteria provided, single submitter. Criteria: ACMG Guidelines, 2015. Collection method: clinical testing. Allele origin: germline. Affected: yes.
Comment: The variant is observed at an extremely low frequency in the gnomAD v4.1.0 dataset (total allele frequency: <0.001%). Predicted Consequence/Location: Frameshift: predicted to result in a loss or disruption of normal protein function through nonsense-mediated decay (NMD) or protein truncation. Multiple pathogenic variants are reported downstream of the variant. Therefore, this variant is classified as Pathogenic according to the recommendation of ACMG/AMP guideline.

NM_005807.6(PRG4):c.2078del (p.Pro693fs)

Gene: PRG4 (proteoglycan 4; plus strand). Cytogenetic location: 1q31.1.
Variant type: Deletion.
Coding change: c.2078del on transcript NM_005807.6 (MANE Select); coding-DNA position 2078, one base deleted (C; older notation c.2078delC).
Protein change: p.Pro693fs; shifts the reading frame from proline 693.
Molecular consequence: frameshift variant.
Genome position (GRCh38, 1-based): chr1:186,307,797, C deleted; the last of 4 consecutive C bases (chr1:186,307,794-186,307,797); deleting any one gives the same sequence. VCF-style (leftmost placement, unchanged base first): chr1-186307793-AC-A. GRCh37 (hg19) VCF-style: chr1-186276925-AC-A.
Other names: c.1955del, p.Pro652fs (NM_001127708.3); c.1799del, p.Pro600fs (NM_001127709.3); c.1676del, p.Pro559fs (NM_001127710.3); c.1949del, p.Pro650fs (NM_001303232.2); short protein forms P652fs, P559fs, P650fs, P693fs, P600fs.
Identifiers: ClinVar variation 4854505 (VCV004854505.1), dbSNP rs764302838.